The following is an entry in ClinVar:

ClinVar aggregate classification (germline): Uncertain significance (1 of 4 stars; one submission).

Allele frequency attached by ClinVar (database versions not stated): 1000 Genomes Project 30x 0.00016.
gnomAD v4.1: 5 of 1,433,392 alleles (0.00035%); highest among the groups gnomAD compares: East Asian, 0.0091%; no homozygotes.

Submission:

Labcorp Genetics (formerly Invitae), Labcorp
Classification: Uncertain significance. Last evaluated: 2022-08-28. Review status: criteria provided, single submitter. Criteria: Invitae Variant Classification Sherloc (09022015). Collection method: clinical testing. Allele origin: germline.
Comment: In summary, the available evidence is currently insufficient to determine the role of this variant in disease. Therefore, it has been classified as a Variant of Uncertain Significance. Algorithms developed to predict the effect of missense changes on protein structure and function (SIFT, PolyPhen-2, Align-GVGD) all suggest that this variant is likely to be disruptive. This variant has not been reported in the literature in individuals affected with MESP1-related conditions. This variant is not present in population databases (gnomAD no frequency). This sequence change replaces alanine, which is neutral and non-polar, with threonine, which is neutral and polar, at codon 87 of the MESP1 protein (p.Ala87Thr).

NM_018670.4(MESP1):c.259G>A (p.Ala87Thr)

Genes: MESP1 (mesoderm posterior bHLH transcription factor 1; minus strand), LOC130057889 (ATAC-STARR-seq lymphoblastoid silent region 6804; plus strand). Cytogenetic location: 15q26.1.
Variant type: single nucleotide variant.
Coding change: c.259G>A on transcript NM_018670.4 (MANE Select); coding-DNA position 259, G replaced by A.
Protein change: p.Ala87Thr; replaces alanine 87 with threonine.
Molecular consequence: missense variant.
Genome position (GRCh38, 1-based): chr15:89,750,973, C>T on the plus strand (G>A on the coding strand, the complement: MESP1 is on the minus strand). VCF-style: chr15-89750973-C-T. GRCh37 (hg19) VCF-style: chr15-90294204-C-T.
Other names: short protein forms A87T.
Identifiers: ClinVar variation 1907849 (VCV001907849.5), dbSNP rs1381802738, ClinGen allele CA393788573.